The following is an entry in ClinVar:

ClinVar aggregate classification (germline): VUS-high (1 of 4 stars; one submission).

Conditions:
Portal hypertension, noncirrhotic, 1 (NCPH1). Identifiers: MedGen CN305369, MONDO:8000013, OMIM 617068.

Submission:

Molecular Genetics Laboratory, CHU Lille
Classification: VUS-high for Portal hypertension, noncirrhotic, 1. Last evaluated: 2026-08-19. Review status: criteria provided, single submitter. Criteria: ACMG Guidelines, 2015. Collection method: clinical testing. Allele origin: germline. Affected: yes.
Comment: This variant creates a premature translational stop signal (p.Thr272LysfsTer17), likely leading to an absent or disrupted protein product. Furthermore, it is present in population databases at an extremely low frequency (heterozygous allele only). In the absence of sufficient evidence indicating a deleterious effect, this variant is classified as a variant of uncertain significance at this time.

NM_080916.3(DGUOK):c.811_814dup (p.Thr272fs)

Genes: DGUOK (deoxyguanosine kinase; plus strand), DGUOK-AS1 (DGUOK antisense RNA 1; minus strand). Cytogenetic location: 2p13.1.
Variant type: Duplication.
Coding change: c.811_814dup on transcript NM_080916.3 (MANE Select); coding-DNA positions 811 to 814, 4 bases duplicated (AACA; older notation c.811_814dupAACA).
Protein change: p.Thr272fs; shifts the reading frame from threonine 272.
Molecular consequence: frameshift variant. On other transcripts: non-coding transcript variant (6).
Genome position (GRCh38, 1-based): chr2:73,958,713-73,958,716, AACA duplicated; duplicating any 4 consecutive bases within chr2:73,958,712-73,958,716 gives the same sequence; the c. name uses the placement nearest the transcript's 3' end. VCF-style (leftmost placement, unchanged base first): chr2-73958711-T-TAAAC. GRCh37 (hg19) VCF-style: chr2-74185838-T-TAAAC.
Other names: c.529_532dup, p.Thr178fs (NM_001318859.2); c.520_523dup, p.Thr175fs (NM_001318860.2, NM_001318861.2); c.502_505dup, p.Thr169fs (NM_001318862.2, NM_001318863.2); c.547_550dup, p.Thr184fs (NM_080918.3); short protein forms T169fs, T175fs, T178fs, T184fs, T272fs.
Identifiers: ClinVar variation 4886941 (VCV004886941.1).